The following is an entry in ClinVar:

ClinVar aggregate classification (germline): Uncertain significance (1 of 4 stars; one submission).

gnomAD v4.1: 1 of 1,600,490 alleles (0.000062%); no homozygotes.

Submission:

Labcorp Genetics (formerly Invitae), Labcorp
Classification: Uncertain significance. Last evaluated: 2022-12-03. Review status: criteria provided, single submitter. Criteria: Invitae Variant Classification Sherloc (09022015). Collection method: clinical testing. Allele origin: germline.
Comment: This variant is not present in population databases (gnomAD no frequency). This sequence change replaces valine, which is neutral and non-polar, with alanine, which is neutral and non-polar, at codon 1324 of the TOP2B protein (p.Val1324Ala). This variant has not been reported in the literature in individuals affected with TOP2B-related conditions. ClinVar contains an entry for this variant (Variation ID: 1721620). Algorithms developed to predict the effect of missense changes on protein structure and function (SIFT, PolyPhen-2, Align-GVGD) all suggest that this variant is likely to be tolerated. In summary, the available evidence is currently insufficient to determine the role of this variant in disease. Therefore, it has been classified as a Variant of Uncertain Significance.

NM_001330700.2(TOP2B):c.3986T>C (p.Val1329Ala)

Gene: TOP2B (DNA topoisomerase II beta; minus strand). Cytogenetic location: 3p24.2.
Variant type: single nucleotide variant.
Coding change: c.3986T>C on transcript NM_001330700.2 (MANE Select); coding-DNA position 3986, T replaced by C.
Protein change: p.Val1329Ala; replaces valine 1329 with alanine.
Molecular consequence: missense variant.
Genome position (GRCh38, 1-based): chr3:25,609,290, A>G on the plus strand (T>C on the coding strand, the complement: TOP2B is on the minus strand). VCF-style: chr3-25609290-A-G. GRCh37 (hg19) VCF-style: chr3-25650781-A-G.
Other names: c.3971T>C, p.Val1324Ala (NM_001068.3); short protein forms V1324A, V1329A.
Identifiers: ClinVar variation 1721620 (VCV001721620.5), dbSNP rs2529878754, ClinGen allele CA351893773.